The following is an entry in ClinVar:

ClinVar aggregate classification (germline): Uncertain significance (1 of 4 stars; one submission).

gnomAD v4.1: 15 of 1,614,126 alleles (0.00093%); highest among the groups gnomAD compares: South Asian, 0.0055%; no homozygotes.

Submission:

Labcorp Genetics (formerly Invitae), Labcorp
Classification: Uncertain significance. Last evaluated: 2024-05-01. Review status: criteria provided, single submitter. Criteria: Invitae Variant Classification Sherloc (09022015). Collection method: clinical testing. Allele origin: germline.
Comment: This sequence change replaces arginine, which is basic and polar, with cysteine, which is neutral and slightly polar, at codon 496 of the SLC44A4 protein (p.Arg496Cys). This variant is present in population databases (rs781022323, gnomAD 0.006%). This variant has not been reported in the literature in individuals affected with SLC44A4-related conditions. An algorithm developed to predict the effect of missense changes on protein structure and function (PolyPhen-2) suggests that this variant is likely to be tolerated. In summary, the available evidence is currently insufficient to determine the role of this variant in disease. Therefore, it has been classified as a Variant of Uncertain Significance.

NM_025257.3(SLC44A4):c.1486C>T (p.Arg496Cys)

Gene: SLC44A4 (solute carrier family 44 member 4; minus strand). Cytogenetic location: 6p21.33.
Variant type: single nucleotide variant.
Coding change: c.1486C>T on transcript NM_025257.3 (MANE Select); coding-DNA position 1486, C replaced by T.
Protein change: p.Arg496Cys; replaces arginine 496 with cysteine.
Molecular consequence: missense variant.
Genome position (GRCh38, 1-based): chr6:31,865,874, G>A on the plus strand (C>T on the coding strand, the complement: SLC44A4 is on the minus strand). VCF-style: chr6-31865874-G-A. GRCh37 (hg19) VCF-style: chr6-31833651-G-A.
Other names: c.1360C>T, p.Arg454Cys (NM_001178044.2); c.1258C>T, p.Arg420Cys (NM_001178045.2); short protein forms R420C, R454C, R496C.
Identifiers: ClinVar variation 3715656 (VCV003715656.2).
Genomic context (GRCh38, chr6:31,865,874, plus strand): 5'-GCTCCAGGACCCCTGGGGCCCCCGTGCCTACAATGACCAGGCCCCTGCCCCATCCTTACC[G>A]GAGTGTGCGGATGAAGGCAGAGATTAAGGGGAAGGTAGGGATGTCCTGGGGCTTGTGGAA-3'
Protein context (NP_079533.2, residues 486-506): PLISAFIRTL[Arg496Cys]YHTGSLAFGA